The following is an entry in ClinVar:

ClinVar aggregate classification (germline): Uncertain significance. Review status: criteria provided, multiple submitters, no conflicts (2 of 4 stars). 2 submissions from 2 submitters: Uncertain significance (2). Last evaluated 2026-03-09.

Conditions:
Dilated cardiomyopathy 1KK (CMD1KK). Identifiers: Orphanet 154, Orphanet 75249, MedGen C3714995, MONDO:0014100, OMIM 615248.
Cardiovascular phenotype. Identifiers: MedGen CN230736.

gnomAD v4.1: 7 of 1,613,864 alleles (0.00043%); highest among the groups gnomAD compares: Non-Finnish European, 0.00059%; no homozygotes.

Submissions (2):

Ambry Genetics
Classification: Uncertain significance for Cardiovascular phenotype. Last evaluated: 2026-03-09. Review status: criteria provided, single submitter. Criteria: Ambry Variant Classification Scheme 2023. Collection method: clinical testing. Allele origin: germline.
Comment: The p.P1065T variant (also known as c.3193C>A), located in coding exon 15 of the MYPN gene, results from a C to A substitution at nucleotide position 3193. The proline at codon 1065 is replaced by threonine, an amino acid with highly similar properties. This amino acid position is conserved. In addition, this alteration is predicted to be tolerated by in silico analysis. Based on the available evidence, the clinical significance of this variant remains unclear.

Labcorp Genetics (formerly Invitae), Labcorp
Classification: Uncertain significance for Dilated cardiomyopathy 1KK. Last evaluated: 2019-10-25. Review status: criteria provided, single submitter. Criteria: Invitae Variant Classification Sherloc (09022015). Collection method: clinical testing. Allele origin: germline.
Comment: Algorithms developed to predict the effect of missense changes on protein structure and function (SIFT, PolyPhen-2, Align-GVGD) all suggest that this variant is likely to be tolerated, but these predictions have not been confirmed by published functional studies and their clinical significance is uncertain. In summary, the available evidence is currently insufficient to determine the role of this variant in disease. Therefore, it has been classified as a Variant of Uncertain Significance. This sequence change replaces proline with threonine at codon 1065 of the MYPN protein (p.Pro1065Thr). The proline residue is moderately conserved and there is a small physicochemical difference between proline and threonine. This variant is not present in population databases (ExAC no frequency). This variant has not been reported in the literature in individuals with MYPN-related conditions.

NM_032578.4(MYPN):c.3193C>A (p.Pro1065Thr)

Gene: MYPN (myopalladin; plus strand). Cytogenetic location: 10q21.3.
Variant type: single nucleotide variant.
Coding change: c.3193C>A on transcript NM_032578.4 (MANE Select); coding-DNA position 3193, C replaced by A.
Protein change: p.Pro1065Thr; replaces proline 1065 with threonine.
Molecular consequence: missense variant. On other transcripts: non-coding transcript variant (2).
Genome position (GRCh38, 1-based): chr10:68,197,386, C>A. VCF-style: chr10-68197386-C-A. GRCh37 (hg19) VCF-style: chr10-69957143-C-A.
Other names: c.3193C>A, p.Pro1065Thr (NM_001256267.2); c.2311C>A, p.Pro771Thr (NM_001256268.2); c.3193C>A (NM_032578.2); short protein forms P1065T, P771T.
Identifiers: ClinVar variation 956124 (VCV000956124.10), dbSNP rs1423549696, ClinGen allele CA376858248.